The following is an entry in ClinVar:

ClinVar aggregate classification (germline): Uncertain significance. Review status: criteria provided, multiple submitters, no conflicts (2 of 4 stars). 2 submissions from 2 submitters: Uncertain significance (2). Last evaluated 2025-06-20.

Conditions:
Myopathy, proximal, and ophthalmoplegia (CMYO6). Also called: INCLUSION BODY MYOPATHY 3, AUTOSOMAL DOMINANT; CONGENITAL MYOPATHY 6 WITH OPHTHALMOPLEGIA; MYOPATHY WITH CONGENITAL JOINT CONTRACTURES, OPHTHALMOPLEGIA, AND RIMMED VACUOLES. Identifiers: Orphanet 363677, Orphanet 79091, MedGen C1854106, MONDO:0011577, OMIM 605637.

Allele frequency attached by ClinVar (database versions not stated): gnomAD 0.00001 and 0.00002; gnomAD exomes 0.00001; ExAC 0.00002; TOPMed 0.00002; ESP Exome Variant Server 0.00008.

Submissions (2):

GeneDx
Classification: Uncertain significance. Last evaluated: 2025-06-20. Review status: criteria provided, single submitter. Criteria: GeneDx Variant Classification Process June 2021. Collection method: clinical testing. Allele origin: germline. Affected: yes.
Comment: Not observed at significant frequency in large population cohorts (gnomAD); In silico analysis suggests that this missense variant does not alter protein structure/function; Has not been previously published as pathogenic or benign to our knowledge

Labcorp Genetics (formerly Invitae), Labcorp
Classification: Uncertain significance for Myopathy, proximal, and ophthalmoplegia. Last evaluated: 2025-05-30. Review status: criteria provided, single submitter. Criteria: Invitae Variant Classification Sherloc (09022015). Collection method: clinical testing. Allele origin: germline.
Comment: This sequence change replaces leucine, which is neutral and non-polar, with phenylalanine, which is neutral and non-polar, at codon 1656 of the MYH2 protein (p.Leu1656Phe). This variant is present in population databases (rs369083161, gnomAD 0.003%). This variant has not been reported in the literature in individuals affected with MYH2-related conditions. ClinVar contains an entry for this variant (Variation ID: 848434). Invitae Evidence Modeling of protein sequence and biophysical properties (such as structural, functional, and spatial information, amino acid conservation, physicochemical variation, residue mobility, and thermodynamic stability) indicates that this missense variant is not expected to disrupt MYH2 protein function with a negative predictive value of 80%. In summary, the available evidence is currently insufficient to determine the role of this variant in disease. Therefore, it has been classified as a Variant of Uncertain Significance.

NM_017534.6(MYH2):c.4966C>T (p.Leu1656Phe)

Genes: MYH2 (myosin heavy chain 2; minus strand), MYHAS (myosin heavy chain gene cluster antisense RNA; plus strand), LOC126862500 (BRD4-independent group 4 enhancer GRCh37_chr17:10427829-10429028; plus strand). Cytogenetic location: 17p13.1.
Variant type: single nucleotide variant.
Coding change: c.4966C>T on transcript NM_017534.6 (MANE Select); coding-DNA position 4966, C replaced by T.
Protein change: p.Leu1656Phe; replaces leucine 1656 with phenylalanine.
Molecular consequence: missense variant.
Genome position (GRCh38, 1-based): chr17:10,524,762, G>A on the plus strand (C>T on the coding strand, the complement: MYH2 is on the minus strand). VCF-style: chr17-10524762-G-A. GRCh37 (hg19) VCF-style: chr17-10428079-G-A.
Other names: c.4966C>T, p.Leu1656Phe (NM_001100112.2); short protein forms L1656F.
Identifiers: ClinVar variation 848434 (VCV000848434.8), dbSNP rs369083161, ClinGen allele CA8390533.